The following is an entry in ClinVar:

ClinVar aggregate classification (germline): Uncertain significance (0 of 4 stars; one submission).

Conditions:
FOXJ1-related disorder. Also called: FOXJ1-related condition.

Submission:

PreventionGenetics, part of Exact Sciences
Classification: Uncertain significance for FOXJ1-related condition. Last evaluated: 2024-06-05. Review status: no assertion criteria provided. Collection method: clinical testing. Allele origin: germline.
Comment: The FOXJ1 c.464_466delTCT variant is predicted to result in an in-frame deletion (p.Phe155del). To our knowledge, this variant has not been reported in the literature or in a large population database, indicating this variant is rare. At this time, the clinical significance of this variant is uncertain due to the absence of conclusive functional and genetic evidence.

NM_001454.4(FOXJ1):c.464_466del (p.Phe155del)

Gene: FOXJ1 (forkhead box J1; minus strand). Cytogenetic location: 17q25.1.
Variant type: Deletion.
Coding change: c.464_466del on transcript NM_001454.4 (MANE Select); coding-DNA positions 464 to 466, 3 bases deleted (TCT; older notation c.464_466delTCT).
Protein change: p.Phe155del; deletes phenylalanine 155.
Molecular consequence: inframe deletion.
Genome position (GRCh38, 1-based): chr17:76,139,930-76,139,932, AGA deleted on the plus strand (TCT on the coding strand, the reverse complement: FOXJ1 is on the minus strand); deleting any 3 consecutive bases within chr17:76,139,930-76,139,934 gives the same sequence; the c. name uses the placement nearest the transcript's 3' end. VCF-style (leftmost placement, unchanged base first): chr17-76139929-CAGA-C. GRCh37 (hg19) VCF-style: chr17-74136010-CAGA-C.
Other names: short protein forms F155del.
Identifiers: ClinVar variation 3344896 (VCV003344896.1).
Genomic context (GRCh38, chr17:76,139,929, plus strand): 5'-GGAGCGGCCGCCGCCCGTGCCTCCTCTACCTGCCAGGTGGGATCTGCGTGGCGGAAGTAG[CAGA>C]AGTTGTCCGTGATCCACTTGTAGATGGCCGACAGGGTGATCTTGGTGGCCTTGCTGGCCT-3'